The following is an entry in ClinVar:

ClinVar aggregate classification (germline): Uncertain significance. Review status: criteria provided, multiple submitters, no conflicts (2 of 4 stars). 2 submissions from 2 submitters: Uncertain significance (2). Last evaluated 2024-08-22.

Allele frequency attached by ClinVar (database versions not stated): TOPMed below 0.00001.

Submissions (2):

Blueprint Genetics
Classification: Uncertain significance. Last evaluated: 2024-08-22. Review status: criteria provided, single submitter. Criteria: ACMG Guidelines, 2015. Collection method: clinical testing. Allele origin: germline.

CeGaT Center for Human Genetics Tuebingen
Classification: Uncertain significance. Last evaluated: 2022-12-01. Review status: criteria provided, single submitter. Criteria: CeGaT Center For Human Genetics Tuebingen Variant Classification Criteria Version 2. Collection method: clinical testing. Allele origin: germline. Affected: yes. Observed: 1 variant allele.
Comment: DHX38: PM2

NM_014003.4(DHX38):c.1832A>G (p.Tyr611Cys)

Gene: DHX38 (DEAH-box helicase 38; plus strand). Cytogenetic location: 16q22.2.
Variant type: single nucleotide variant.
Coding change: c.1832A>G on transcript NM_014003.4 (MANE Select); coding-DNA position 1832, A replaced by G.
Protein change: p.Tyr611Cys; replaces tyrosine 611 with cysteine.
Molecular consequence: missense variant.
Genome position (GRCh38, 1-based): chr16:72,103,953, A>G. VCF-style: chr16-72103953-A-G. GRCh37 (hg19) VCF-style: chr16-72137852-A-G.
Other names: short protein forms Y611C.
Identifiers: ClinVar variation 2646807 (VCV002646807.25), dbSNP rs2042136390, ClinGen allele CA396708691.
Genomic context (GRCh38, chr16:72,103,953, plus strand): 5'-TGCTGGTGGTGAGCCGGTGGCCAGGGCATCTGAGCCATCTCTCTGACCTCCAGGTGGGCT[A>G]TGCCATCCGCTTTGAAGACTGCACTTCAGAGAACACCTTGATCAAATACATGACTGACGG-3'
Protein context (NP_054722.2, residues 601-621): MGGNLGEEVG[Tyr611Cys]AIRFEDCTSE